The following is an entry in ClinVar:

NM_014727.3(KMT2B):c.2210T>C (p.Leu737Pro)

Gene: KMT2B (lysine methyltransferase 2B; plus strand). Cytogenetic location: 19q13.12.
Variant type: single nucleotide variant.
Coding change: c.2210T>C on transcript NM_014727.3 (MANE Select); coding-DNA position 2210, T replaced by C.
Protein change: p.Leu737Pro; replaces leucine 737 with proline.
Molecular consequence: missense variant.
Genome position (GRCh38, 1-based): chr19:35,721,557, T>C. VCF-style: chr19-35721557-T-C. GRCh37 (hg19) VCF-style: chr19-36212459-T-C.
Other names: short protein forms L737P.
Identifiers: ClinVar variation 1358998 (VCV001358998.6), dbSNP rs1645071637, ClinGen allele CA405397108.

ClinVar aggregate classification (germline): Uncertain significance (1 of 4 stars; one submission).

Allele frequency attached by ClinVar (database versions not stated): gnomAD exomes 0.00001; TOPMed 0.00002.
gnomAD v4.1: 7 of 1,611,736 alleles (0.00043%); highest among the groups gnomAD compares: Middle Eastern, 0.016%; no homozygotes.

Submission:

Labcorp Genetics (formerly Invitae), Labcorp
Classification: Uncertain significance. Last evaluated: 2026-01-18. Review status: criteria provided, single submitter. Criteria: Invitae Variant Classification Sherloc (09022015). Collection method: clinical testing. Allele origin: germline.
Comment: This sequence change replaces leucine, which is neutral and non-polar, with proline, which is neutral and non-polar, at codon 737 of the KMT2B protein (p.Leu737Pro). This variant is not present in population databases (gnomAD no frequency). This missense change has been observed in individual(s) with dystonia (PMID: 31731261). ClinVar contains an entry for this variant (Variation ID: 1358998). Invitae Evidence Modeling of protein sequence and biophysical properties (such as structural, functional, and spatial information, amino acid conservation, physicochemical variation, residue mobility, and thermodynamic stability) indicates that this missense variant is not expected to disrupt KMT2B protein function with a negative predictive value of 95%. In summary, the available evidence is currently insufficient to determine the role of this variant in disease. Therefore, it has been classified as a Variant of Uncertain Significance.

Literature cited by the submitters: PubMed 31731261.